The following is an entry in ClinVar:

NM_005334.3(HCFC1):c.1925C>T (p.Thr642Ile)

Gene: HCFC1 (host cell factor C1; minus strand). Cytogenetic location: Xq28.
Variant type: single nucleotide variant.
Coding change: c.1925C>T on transcript NM_005334.3 (MANE Select); coding-DNA position 1925, C replaced by T.
Protein change: p.Thr642Ile; replaces threonine 642 with isoleucine.
Molecular consequence: missense variant.
Genome position (GRCh38, 1-based): chrX:153,958,128, G>A on the plus strand (C>T on the coding strand, the complement: HCFC1 is on the minus strand). VCF-style: chrX-153958128-G-A. GRCh37 (hg19) VCF-style: chrX-153223579-G-A.
Other names: short protein forms T642I.
Identifiers: ClinVar variation 1311941 (VCV001311941.2), dbSNP rs2148583568, ClinGen allele CA415133878.

ClinVar aggregate classification (germline): Uncertain significance (1 of 4 stars; one submission).

Submission:

GeneDx
Classification: Uncertain significance. Last evaluated: 2019-09-10. Review status: criteria provided, single submitter. Criteria: GeneDx Variant Classification Process June 2021. Collection method: clinical testing. Allele origin: germline. Affected: yes.
Comment: Not observed in large population cohorts (Lek et al., 2016); In silico analysis, which includes protein predictors and evolutionary conservation, supports a deleterious effect; Has not been previously published as pathogenic or benign to our knowledge